The following is an entry in ClinVar:

NM_002878.4(RAD51D):c.829C>G (p.Leu277Val)

Genes: RAD51D (RAD51 paralog D; minus strand), RAD51L3-RFFL (RAD51L3-RFFL readthrough; minus strand). Cytogenetic location: 17q12.
Variant type: single nucleotide variant.
Coding change: c.829C>G on transcript NM_002878.4 (MANE Select); coding-DNA position 829, C replaced by G.
Protein change: p.Leu277Val; replaces leucine 277 with valine.
Molecular consequence: missense variant. On other transcripts: non-coding transcript variant (3).
Genome position (GRCh38, 1-based): chr17:35,101,275, G>C on the plus strand (C>G on the coding strand, the complement: RAD51D is on the minus strand). VCF-style: chr17-35101275-G-C. GRCh37 (hg19) VCF-style: chr17-33428294-G-C.
Other names: c.889C>G, p.Leu297Val (NM_001142571.2); c.493C>G, p.Leu165Val (NM_133629.3); short protein forms L277V, L297V, L165V.
Identifiers: ClinVar variation 539856 (VCV000539856.18), dbSNP rs1285339297, ClinGen allele CA399086696.

ClinVar aggregate classification (germline): Uncertain significance. Review status: criteria provided, multiple submitters, no conflicts (2 of 4 stars). 3 submissions from 3 submitters: Uncertain significance (3). Last evaluated 2026-07-06.

Conditions:
Hereditary cancer-predisposing syndrome. Also called: Hereditary Cancer Syndrome; Tumor predisposition; Hereditary neoplastic syndrome; Neoplastic Syndromes, Hereditary. Identifiers: Orphanet 140162, MedGen C0027672, MeSH D009386, MONDO:0015356.
Breast-ovarian cancer, familial, susceptibility to, 4. Identifiers: Orphanet 145, MedGen C3280345, MONDO:0013669, OMIM 614291.

Allele frequency attached by ClinVar (database versions not stated): gnomAD exomes below 0.00001 and 0.00001; TOPMed below 0.00001; gnomAD 0.00001.
gnomAD v4.1: 6 of 1,614,064 alleles (0.00037%); highest among the groups gnomAD compares: Non-Finnish European, 0.00051%; no homozygotes.

Submissions (3):

Ambry Genetics
Classification: Uncertain significance for Hereditary cancer-predisposing syndrome. Last evaluated: 2026-07-06. Review status: criteria provided, single submitter. Criteria: Ambry Variant Classification Scheme 2023. Collection method: clinical testing. Allele origin: germline.

Labcorp Genetics (formerly Invitae), Labcorp
Classification: Uncertain significance for Breast-ovarian cancer, familial, susceptibility to, 4. Last evaluated: 2026-01-05. Review status: criteria provided, single submitter. Criteria: Invitae Variant Classification Sherloc (09022015). Collection method: clinical testing. Allele origin: germline.
Comment: This sequence change replaces leucine, which is neutral and non-polar, with valine, which is neutral and non-polar, at codon 277 of the RAD51D protein (p.Leu277Val). This variant is present in population databases (no rsID available, gnomAD 0.0009%). This variant has not been reported in the literature in individuals affected with RAD51D-related conditions. ClinVar contains an entry for this variant (Variation ID: 539856). Invitae Evidence Modeling of protein sequence and biophysical properties (such as structural, functional, and spatial information, amino acid conservation, physicochemical variation, residue mobility, and thermodynamic stability) indicates that this missense variant is not expected to disrupt RAD51D protein function with a negative predictive value of 80%. In summary, the available evidence is currently insufficient to determine the role of this variant in disease. Therefore, it has been classified as a Variant of Uncertain Significance.

Color Diagnostics, LLC DBA Color Health
Classification: Uncertain significance for Hereditary cancer-predisposing syndrome. Last evaluated: 2023-12-05. Review status: criteria provided, single submitter. Criteria: ACMG Guidelines, 2015. Collection method: clinical testing. Allele origin: germline.
Comment: This missense variant replaces leucine with valine at codon 277 of the RAD51D protein. Computational prediction suggests that this variant may not impact protein structure and function (internally defined REVEL score threshold <= 0.5, PMID: 27666373). To our knowledge, functional studies have not been reported for this variant. This variant has not been reported in individuals affected with RAD51D-related disorders in the literature. This variant has been identified in 1/251446 chromosomes in the general population by the Genome Aggregation Database (gnomAD). The available evidence is insufficient to determine the role of this variant in disease conclusively. Therefore, this variant is classified as a Variant of Uncertain Significance.